The following is an entry in ClinVar:

ClinVar aggregate classification (germline): Conflicting classifications of pathogenicity. Review status: criteria provided, conflicting classifications (1 of 4 stars). 6 submissions from 6 submitters: Uncertain significance (4); Likely benign (1). 1 of the submissions does not count toward it. Last evaluated 2025-10-19.

Conditions:
Cardiovascular phenotype. Identifiers: MedGen CN230736.
Intellectual disability. Also called: Intellectual developmental disorder; Intellectual functioning disability; intellectual disabilities. Identifiers: MedGen C3714756, MeSH D008607, MONDO:0001071, HP:0001249.
Long QT syndrome (LQTS). Identifiers: MedGen C0023976, MeSH D008133, MONDO:0002442. Disease mechanism: loss of function. Inheritance: Various modes of inheritance.
Cardiac arrhythmia, ankyrin-B-related. Also called: ANKYRIN-B SYNDROME. Identifiers: Orphanet 101016, Orphanet 768, MedGen C1970119, MONDO:0010958, OMIM 600919.

Allele frequency attached by ClinVar (database versions not stated): gnomAD 0.00002; gnomAD exomes 0.00007 and 0.00006; ESP Exome Variant Server 0.00015; ExAC 0.00007; TOPMed 0.00005.
gnomAD v4.1: 104 of 1,613,982 alleles (0.0064%); highest among the groups gnomAD compares: Non-Finnish European, 0.0084%; no homozygotes.

Submissions (6):

Labcorp Genetics (formerly Invitae), Labcorp
Classification: Uncertain significance for Long QT syndrome. Last evaluated: 2025-10-19. Review status: criteria provided, single submitter. Criteria: Invitae Variant Classification Sherloc (09022015). Collection method: clinical testing. Allele origin: germline.
Comment: This sequence change replaces serine, which is neutral and polar, with cysteine, which is neutral and slightly polar, at codon 2976 of the ANK2 protein (p.Ser2976Cys). This variant is present in population databases (rs371343942, gnomAD 0.02%). This missense change has been observed in individual(s) with hypertrophic cardiomyopathy (PMID: 25351510). ClinVar contains an entry for this variant (Variation ID: 519493). An algorithm developed to predict the effect of missense changes on protein structure and function (PolyPhen-2) suggests that this variant is likely to be disruptive. In summary, the available evidence is currently insufficient to determine the role of this variant in disease. Therefore, it has been classified as a Variant of Uncertain Significance.

GeneDx
Classification: Uncertain significance. Last evaluated: 2024-04-24. Review status: criteria provided, single submitter. Criteria: GeneDx Variant Classification Process June 2021. Collection method: clinical testing. Allele origin: germline. Affected: yes.
Comment: Reported in one individual with hypertrophic cardiomyopathy and one individual with unexplained sudden cardiac death in published literature (PMID: 25351510, 27332903); In silico analysis indicates that this missense variant does not alter protein structure/function; Located in exon 38, which is reported as being expressed in a brain-specific transcript (PMID: 1830053, 18790697, 26109584); This variant is associated with the following publications: (PMID: 27332903, 29057844, 1830053, 18790697, 26109584, 25351510)

KardioGenetik, Herz- und Diabeteszentrum NRW
Classification: Uncertain significance for Cardiac arrhythmia, ankyrin-B-related. Last evaluated: 2024-01-29. Review status: criteria provided, single submitter. Criteria: ACMG Guidelines, 2015. Collection method: clinical testing. Allele origin: unknown. Observed: 1 variant allele.

Ambry Genetics
Classification: Likely benign for Cardiovascular phenotype. Last evaluated: 2023-04-11. Review status: criteria provided, single submitter. Criteria: Ambry Variant Classification Scheme 2023. Collection method: clinical testing. Allele origin: germline.

Fulgent Genetics
Classification: Uncertain significance for Cardiac arrhythmia, ankyrin-B-related. Last evaluated: 2021-10-05. Review status: criteria provided, single submitter. Criteria: ACMG Guidelines, 2015. Collection method: clinical testing. Allele origin: unknown.

Centre de Biologie Pathologie Génétique, Centre Hospitalier Universitaire de Lille
Classification: Likely benign for Intellectual disability. Last evaluated: 2019-01-01. Review status: no assertion criteria provided. Collection method: clinical testing. Allele origin: inherited. Affected: yes. Not counted in ClinVar's aggregate classification.

Literature cited by the submitters: PubMed 25351510 (cited by Labcorp Genetics (formerly Invitae), Labcorp and Ambry Genetics).

NM_001148.6(ANK2):c.8927C>G (p.Ser2976Cys)

Gene: ANK2 (ankyrin 2; plus strand). Cytogenetic location: 4q26.
Variant type: single nucleotide variant.
Coding change: c.8927C>G on transcript NM_001148.6 (MANE Select); coding-DNA position 8927, C replaced by G.
Protein change: p.Ser2976Cys; replaces serine 2976 with cysteine.
Molecular consequence: missense variant. On other transcripts: intron variant (68).
Genome position (GRCh38, 1-based): chr4:113,357,545, C>G. VCF-style: chr4-113357545-C-G. GRCh37 (hg19) VCF-style: chr4-114278701-C-G.
Other names: c.8693C>G, p.Ser2898Cys (NM_001386142.1); c.5327C>G, p.Ser1776Cys (NM_001386166.1); c.9068C>G, p.Ser3023Cys (NM_001386174.1); c.9044C>G, p.Ser3015Cys (NM_001386175.1); c.4412-3278C>G (NM_001386186.2, NM_001386148.2); c.4214-3278C>G (NM_001354269.3); c.4292-3278C>G (NM_001386187.2); c.4253-3278C>G (NM_001386147.1); and 35 more; short protein forms S2976C, S1776C, S2898C, S3015C, S3023C.
Identifiers: ClinVar variation 519493 (VCV000519493.19), dbSNP rs371343942, ClinGen allele CA3051850.